The following is an entry in ClinVar:

ClinVar aggregate classification (germline): Uncertain significance (1 of 4 stars; one submission).

Submission:

Labcorp Genetics (formerly Invitae), Labcorp
Classification: Uncertain significance. Last evaluated: 2024-12-03. Review status: criteria provided, single submitter. Criteria: Invitae Variant Classification Sherloc (09022015). Collection method: clinical testing. Allele origin: germline.
Comment: This sequence change replaces threonine, which is neutral and polar, with isoleucine, which is neutral and non-polar, at codon 567 of the MMP14 protein (p.Thr567Ile). This variant is not present in population databases (gnomAD no frequency). This variant has not been reported in the literature in individuals affected with MMP14-related conditions. An algorithm developed to predict the effect of missense changes on protein structure and function (PolyPhen-2) suggests that this variant is likely to be disruptive. In summary, the available evidence is currently insufficient to determine the role of this variant in disease. Therefore, it has been classified as a Variant of Uncertain Significance.

NM_004995.4(MMP14):c.1700C>T (p.Thr567Ile)

Gene: MMP14 (matrix metallopeptidase 14; plus strand). Cytogenetic location: 14q11.2.
Variant type: single nucleotide variant.
Coding change: c.1700C>T on transcript NM_004995.4 (MANE Select); coding-DNA position 1700, C replaced by T.
Protein change: p.Thr567Ile; replaces threonine 567 with isoleucine.
Molecular consequence: missense variant.
Genome position (GRCh38, 1-based): chr14:22,845,990, C>T. VCF-style: chr14-22845990-C-T. GRCh37 (hg19) VCF-style: chr14-23315199-C-T.
Other names: short protein forms T567I.
Identifiers: ClinVar variation 3693346 (VCV003693346.2).
Genomic context (GRCh38, chr14:22,845,990, plus strand): 5'-TGCTGCTGCTCCTGGTGCTGGCGGTGGGCCTTGCAGTCTTCTTCTTCAGACGCCATGGGA[C>T]CCCCAGGCGACTGCTCTACTGCCAGCGTTCCCTGCTGGACAAGGTCTGACGCCCACCGCC-3'
Protein context (NP_004986.1, residues 557-577): LAVFFFRRHG[Thr567Ile]PRRLLYCQRS